The following is an entry in ClinVar:

ClinVar aggregate classification (germline): Uncertain significance (1 of 4 stars; one submission).

Submission:

GeneDx
Classification: Uncertain significance. Last evaluated: 2016-05-25. Review status: criteria provided, single submitter. Criteria: GeneDx Variant Classification (06012015). Collection method: clinical testing. Allele origin: germline. Affected: yes.
Comment: p.Phe272Leu (TTC>TTA): c.816 C>A in exon 2 of the TBC1D24 gene (NM_020705.2). The Phe272Leu missense change has not been published as a mutation, nor has it been reported as a benign polymorphism to our knowledge. It was not observed in approximately 6,500 individuals of European and African American ancestry in the NHLBI Exome Sequencing Project, indicating it is not a common benign variant in these populations. This variant is a conservative substitution, as Phenylalanine and Leucine are both uncharged, non-polar amino acids. However, it alters a position that is conserved across species, and in silico analysis predicts this variant is probably damaging to the protein structure/function. Therefore, based on the currently available information, it is unclear whether Phe272Leu is a disease-causing mutation or a rare benign variant. The variant is found in EPILEPSY panel(s).

NM_001199107.2(TBC1D24):c.816C>A (p.Phe272Leu)

Gene: TBC1D24 (TBC1 domain family member 24; plus strand). Cytogenetic location: 16p13.3.
Variant type: single nucleotide variant.
Coding change: c.816C>A on transcript NM_001199107.2 (MANE Select); coding-DNA position 816, C replaced by A.
Protein change: p.Phe272Leu; replaces phenylalanine 272 with leucine.
Molecular consequence: missense variant.
Genome position (GRCh38, 1-based): chr16:2,496,964, C>A. VCF-style: chr16-2496964-C-A. GRCh37 (hg19) VCF-style: chr16-2546965-C-A.
Other names: p.F272L:TTC>TTA; c.816C>A, p.Phe272Leu (NM_020705.3); short protein forms F272L.
Identifiers: ClinVar variation 207504 (VCV000207504.2), dbSNP rs796053402, ClinGen allele CA319038.